The following is an entry in ClinVar:

NM_001361.5(DHODH):c.765C>T (p.Ile255=)

Gene: DHODH (dihydroorotate dehydrogenase (quinone); plus strand). Cytogenetic location: 16q22.2.
Variant type: single nucleotide variant.
Coding change: c.765C>T on transcript NM_001361.5 (MANE Select); coding-DNA position 765, C replaced by T.
Protein change: p.Ile255=; no amino-acid change (isoleucine 255 retained).
Molecular consequence: synonymous variant.
Genome position (GRCh38, 1-based): chr16:72,022,421, C>T. VCF-style: chr16-72022421-C-T. GRCh37 (hg19) VCF-style: chr16-72056320-C-T.
Identifiers: ClinVar variation 718632 (VCV000718632.27), dbSNP rs61757214, ClinGen allele CA8158756.
Genomic context (GRCh38, chr16:72,022,421, plus strand): 5'-GGTGCTGCAGGAGAGGGATGGCTTGCGGAGAGTGCACAGGCCGGCAGTCCTGGTGAAGAT[C>T]GCTCCTGACCTCACCAGCCAGGATAAGGAGGACATTGCCAGTGTGGTCAAAGAGGTTTGA-3'
Protein context (NP_001352.2, residues 245-265): RVHRPAVLVK[Ile255=]APDLTSQDKE

ClinVar aggregate classification (germline): Likely benign. Review status: criteria provided, multiple submitters, no conflicts (2 of 4 stars). 5 submissions from 5 submitters: Likely benign (5). Last evaluated 2025-12-25.

Conditions:
Miller syndrome (POADS). Also called: GENEE-WIEDEMANN SYNDROME; Genee-Wiedemann acrofacial dysostosis. Identifiers: Orphanet 246, MedGen C0265257, MONDO:0009903, OMIM 263750.

Allele frequency attached by ClinVar (database versions not stated): 1000 Genomes Project 0.00060; 1000 Genomes Project 30x 0.00062; ExAC 0.00099; gnomAD exomes 0.00118; gnomAD 0.00128; TOPMed 0.00129; ESP Exome Variant Server 0.00143.
gnomAD v4.1: 2,190 of 1,558,010 alleles (0.14%); highest among the groups gnomAD compares: Admixed American, 0.21%; 3 homozygotes.

Submissions (5):

Labcorp Genetics (formerly Invitae), Labcorp
Classification: Likely benign. Last evaluated: 2025-12-25. Review status: criteria provided, single submitter. Criteria: Invitae Variant Classification Sherloc (09022015). Collection method: clinical testing. Allele origin: germline.

CeGaT Center for Human Genetics Tuebingen
Classification: Likely benign. Last evaluated: 2025-05-01. Review status: criteria provided, single submitter. Criteria: CeGaT Center For Human Genetics Tuebingen Variant Classification Criteria Version 2. Collection method: clinical testing. Allele origin: germline. Affected: yes. Observed: 2 variant alleles.
Comment: DHODH: BP4, BP7

Blueprint Genetics
Classification: Likely benign. Last evaluated: 2024-11-25. Review status: criteria provided, single submitter. Criteria: ACMG Guidelines, 2015. Collection method: clinical testing. Allele origin: germline.

Illumina Laboratory Services, Illumina
Classification: Likely benign for Miller syndrome. Last evaluated: 2018-01-12. Review status: criteria provided, single submitter. Criteria: ICSL Variant Classification Criteria 13 December 2019. Collection method: clinical testing. Allele origin: germline.
Comment: This variant was observed in the ICSL laboratory as part of a predisposition screen in an ostensibly healthy population. It had not been previously curated by ICSL or reported in the Human Gene Mutation Database (HGMD: prior to June 1st, 2018), and was therefore a candidate for classification through an automated scoring system. Utilizing variant allele frequency, disease prevalence and penetrance estimates, and inheritance mode, an automated score was calculated to assess if this variant is too frequent to cause the disease. Based on the score and internal cut-off values, a variant classified as likely benign is not then subjected to further curation. The score for this variant resulted in a classification of likely benign for this disease.

Breakthrough Genomics
Classification: Likely benign. Review status: criteria provided, single submitter. Criteria: ACMG Guidelines, 2015. Collection method: not provided. Allele origin: germline. Inheritance: Autosomal recessive inheritance. Affected: yes.